The following is an entry in ClinVar:

ClinVar aggregate classification (germline): Likely benign (0 of 4 stars; one submission).

Conditions:
DNAH9-related disorder. Also called: DNAH9-related condition.

Allele frequency attached by ClinVar (database versions not stated): gnomAD 0.00001; gnomAD exomes 0.00002.
gnomAD v4.1: 28 of 1,613,292 alleles (0.0017%); highest among the groups gnomAD compares: Non-Finnish European, 0.0023%; no homozygotes.

Submission:

PreventionGenetics, part of Exact Sciences
Classification: Likely benign for DNAH9-related condition. Last evaluated: 2021-12-10. Review status: no assertion criteria provided. Collection method: clinical testing. Allele origin: germline.
Comment: This variant is classified as likely benign based on ACMG/AMP sequence variant interpretation guidelines (Richards et al. 2015 PMID: 25741868, with internal and published modifications).

NM_001372.4(DNAH9):c.5552+6C>G

Gene: DNAH9 (dynein axonemal heavy chain 9; plus strand). Cytogenetic location: 17p12.
Variant type: single nucleotide variant.
Coding change: c.5552+6C>G on transcript NM_001372.4 (MANE Select); 6 bases into the intron after coding-DNA position 5552, C replaced by G.
Molecular consequence: intron variant.
Genome position (GRCh38, 1-based): chr17:11,705,191, C>G. VCF-style: chr17-11705191-C-G. GRCh37 (hg19) VCF-style: chr17-11608508-C-G.
Identifiers: ClinVar variation 3029118 (VCV003029118.2), dbSNP rs1005043333, ClinGen allele CA287795037.